The following is an entry in ClinVar:

ClinVar aggregate classification (germline): Likely benign. Review status: criteria provided, multiple submitters, no conflicts (2 of 4 stars). 2 submissions from 2 submitters: Likely benign (2). Last evaluated 2025-08-29.

Conditions:
Hypertrophic cardiomyopathy 26. Also called: Cardiomyopathy, familial hypertrophic, 26. Identifiers: Orphanet 75249, MedGen C4310749, MONDO:0014883, OMIM 617047.
Distal myopathy with posterior leg and anterior hand involvement. Also called: WILLIAMS DISTAL MYOPATHY. Identifiers: Orphanet 63273, MedGen C3279722, MONDO:0013550, OMIM 614065.
Myofibrillar myopathy 5. Also called: Filaminopathy (type); FILAMINOPATHY, AUTOSOMAL DOMINANT. Identifiers: Orphanet 171445, MedGen C1836050, MONDO:0012289, OMIM 609524.

gnomAD v4.1: 5 of 1,613,646 alleles (0.00031%); highest among the groups gnomAD compares: Non-Finnish European, 0.00042%; no homozygotes.

Submissions (2):

Mayo Clinic Laboratories, Mayo Clinic
Classification: Likely benign. Last evaluated: 2025-08-29. Review status: criteria provided, single submitter. Criteria: ACMG Guidelines, 2015. Collection method: clinical testing. Allele origin: germline. Observed: 1 variant allele.
Comment: BP4, BP7

Labcorp Genetics (formerly Invitae), Labcorp
Classification: Likely benign for Distal myopathy with posterior leg and anterior hand involvement; Myofibrillar myopathy 5; Hypertrophic cardiomyopathy 26. Last evaluated: 2024-02-19. Review status: criteria provided, single submitter. Criteria: Invitae Variant Classification Sherloc (09022015). Collection method: clinical testing. Allele origin: germline.

NM_001458.5(FLNC):c.5399-4G>T

Genes: FLNC-AS1 (FLNC antisense RNA 1; minus strand), FLNC (filamin C; plus strand). Cytogenetic location: 7q32.1.
Variant type: single nucleotide variant.
Coding change: c.5399-4G>T on transcript NM_001458.5 (MANE Select); 4 bases into the intron before coding-DNA position 5399, G replaced by T.
Molecular consequence: intron variant.
Genome position (GRCh38, 1-based): chr7:128,850,799, G>T. VCF-style: chr7-128850799-G-T. GRCh37 (hg19) VCF-style: chr7-128490853-G-T.
Other names: p.?; c.5300-4G>T (NM_001127487.2); c.5399-4G>T (NM_001458.4).
Identifiers: ClinVar variation 3760918 (VCV003760918.3).